The following is an entry in ClinVar:

NM_016239.4(MYO15A):c.370_371del (p.Ala124fs)

Gene: MYO15A (myosin XVA; plus strand). Cytogenetic location: 17p11.2.
Variant type: Microsatellite.
Coding change: c.370_371del on transcript NM_016239.4 (MANE Select); coding-DNA positions 370 to 371, 2 bases deleted (GC; older notation c.370_371delGC).
Protein change: p.Ala124fs; shifts the reading frame from alanine 124.
Molecular consequence: frameshift variant.
Genome position (GRCh38, 1-based): chr17:18,119,170-18,119,171, GC deleted; deleting any 2 consecutive bases within chr17:18,119,165-18,119,171 gives the same sequence; the c. name uses the placement nearest the transcript's 3' end. VCF-style (leftmost placement, unchanged base first): chr17-18119164-CCG-C. GRCh37 (hg19) VCF-style: chr17-18022478-CCG-C.
Other names: short protein forms A124fs.
Identifiers: ClinVar variation 2860919 (VCV002860919.3), dbSNP rs2545173774, ClinGen allele CA2576189456.

ClinVar aggregate classification (germline): Pathogenic (1 of 4 stars; one submission).

Submission:

Labcorp Genetics (formerly Invitae), Labcorp
Classification: Pathogenic. Last evaluated: 2023-04-30. Review status: criteria provided, single submitter. Criteria: Invitae Variant Classification Sherloc (09022015). Collection method: clinical testing. Allele origin: germline.
Comment: For these reasons, this variant has been classified as Pathogenic. This variant has not been reported in the literature in individuals affected with MYO15A-related conditions. This variant is not present in population databases (gnomAD no frequency). This sequence change creates a premature translational stop signal (p.Ala124Profs*103) in the MYO15A gene. It is expected to result in an absent or disrupted protein product. Loss-of-function variants in MYO15A are known to be pathogenic (PMID: 17546645).

Literature cited by the submitters: PubMed 17546645.